The following is an entry in ClinVar:

ClinVar aggregate classification (germline): Benign/Likely benign. Review status: criteria provided, multiple submitters, no conflicts (2 of 4 stars). 6 submissions from 6 submitters: Benign (5); Likely benign (1). Last evaluated 2026-01-21.

Conditions:
Charcot-Marie-Tooth disease axonal type 2S. Also called: CHARCOT-MARIE-TOOTH NEUROPATHY, TYPE 2S; CHARCOT-MARIE-TOOTH DISEASE, AXONAL, AUTOSOMAL RECESSIVE, TYPE 2S. Identifiers: Orphanet 443073, MedGen C4015349, MONDO:0014511, OMIM 616155.
Autosomal recessive distal spinal muscular atrophy 1. Also called: HMN VI; NEURONOPATHY, SEVERE INFANTILE AXONAL, WITH RESPIRATORY FAILURE; SEVERE INFANTILE AXONAL NEUROPATHY WITH RESPIRATORY FAILURE; SPINAL MUSCULAR ATROPHY, DIAPHRAGMATIC; Spinal muscular atrophy with respiratory distress 1; NEURONOPATHY, DISTAL HEREDITARY MOTOR, HARDING TYPE VI. Identifiers: Orphanet 98920, MedGen C1858517, MONDO:0011436, OMIM 604320.
Inborn genetic diseases. Identifiers: MedGen C0950123, MeSH D030342.
Charcot-Marie-Tooth disease. Also called: Charcot-Marie-Tooth Neuropathy; Charcot-Marie-Tooth Hereditary Neuropathy. Identifiers: Orphanet 166, MedGen C0007959, MONDO:0015626.

Allele frequency attached by ClinVar (database versions not stated): ESP Exome Variant Server 0.00008; gnomAD 0.00019 and 0.00097; TOPMed 0.00031; gnomAD exomes 0.00202 and 0.00278; ExAC 0.00298; 1000 Genomes Project 30x 0.00406; 1000 Genomes Project 0.00479.
gnomAD v4.1: 3,080 of 1,614,004 alleles (0.19%); highest among the groups gnomAD compares: East Asian, 2.4%; 54 homozygotes.

Submissions (6):

Labcorp Genetics (formerly Invitae), Labcorp
Classification: Benign for Autosomal recessive distal spinal muscular atrophy 1; Charcot-Marie-Tooth disease axonal type 2S. Last evaluated: 2026-01-21. Review status: criteria provided, single submitter. Criteria: Invitae Variant Classification Sherloc (09022015). Collection method: clinical testing. Allele origin: germline.

ARUP Laboratories, Molecular Genetics and Genomics, ARUP Laboratories
Classification: Benign. Last evaluated: 2023-12-08. Review status: criteria provided, single submitter. Criteria: ARUP Molecular Germline Variant Investigation Process 2024. Collection method: clinical testing. Allele origin: germline.

Ambry Genetics
Classification: Likely benign for Inborn genetic diseases. Last evaluated: 2019-07-11. Review status: criteria provided, single submitter. Criteria: Ambry Variant Classification Scheme 2023. Collection method: clinical testing. Allele origin: germline.

Illumina Laboratory Services, Illumina
Classification: Benign for Autosomal recessive distal spinal muscular atrophy 1. Last evaluated: 2018-01-12. Review status: criteria provided, single submitter. Criteria: ICSL Variant Classification Criteria 13 December 2019. Collection method: clinical testing. Allele origin: germline.
Comment: This variant was observed in the ICSL laboratory as part of a predisposition screen in an ostensibly healthy population. It had not been previously curated by ICSL or reported in the Human Gene Mutation Database (HGMD: prior to June 1st, 2018), and was therefore a candidate for classification through an automated scoring system. Utilizing variant allele frequency, disease prevalence and penetrance estimates, and inheritance mode, an automated score was calculated to assess if this variant is too frequent to cause the disease. Based on the score and internal cut-off values, a variant classified as benign is not then subjected to further curation. The score for this variant resulted in a classification of benign for this disease.

GeneDx
Classification: Benign. Last evaluated: 2016-02-16. Review status: criteria provided, single submitter. Criteria: GeneDx Variant Classification (06012015). Collection method: clinical testing. Allele origin: germline. Affected: yes.
Comment: This variant is considered likely benign or benign based on one or more of the following criteria: it is a conservative change, it occurs at a poorly conserved position in the protein, it is predicted to be benign by multiple in silico algorithms, and/or has population frequency not consistent with disease.

Molecular Genetics Laboratory, London Health Sciences Centre
Classification: Benign for Charcot-Marie-Tooth disease. Review status: criteria provided, single submitter. Criteria: ACMG Guidelines, 2015. Collection method: clinical testing. Allele origin: germline. Affected: yes.

NM_002180.3(IGHMBP2):c.366C>T (p.His122=)

Gene: IGHMBP2 (immunoglobulin mu DNA binding protein 2; plus strand). Cytogenetic location: 11q13.3.
Variant type: single nucleotide variant.
Coding change: c.366C>T on transcript NM_002180.3 (MANE Select); coding-DNA position 366, C replaced by T.
Protein change: p.His122=; no amino-acid change (histidine 122 retained).
Molecular consequence: synonymous variant.
Genome position (GRCh38, 1-based): chr11:68,908,254, C>T. VCF-style: chr11-68908254-C-T. GRCh37 (hg19) VCF-style: chr11-68675722-C-T.
Identifiers: ClinVar variation 305832 (VCV000305832.19), dbSNP rs144401213, ClinGen allele CA6153271.